The following is an entry in ClinVar:

NM_000179.3(MSH6):c.3487G>A (p.Glu1163Lys)

Gene: MSH6 (mutS homolog 6; plus strand). Cytogenetic location: 2p16.3.
Variant type: single nucleotide variant.
Coding change: c.3487G>A on transcript NM_000179.3 (MANE Select); coding-DNA position 3487, G replaced by A.
Protein change: p.Glu1163Lys; replaces glutamic acid 1163 with lysine.
Molecular consequence: missense variant.
Genome position (GRCh38, 1-based): chr2:47,804,958, G>A. VCF-style: chr2-47804958-G-A. GRCh37 (hg19) VCF-style: chr2-48032097-G-A.
Other names: c.3097G>A, p.Glu1033Lys (NM_001281492.2); c.2581G>A, p.Glu861Lys (NM_001281493.2, NM_001281494.2); short protein forms E1033K, E861K, E1163K.
Identifiers: ClinVar variation 965631 (VCV000965631.13), dbSNP rs587779267, ClinGen allele CA346760142.
Genomic context (GRCh38, chr2:47,804,958, plus strand): 5'-CCTCATTCACAGGCTGGCTTATTAGCTGTAATGGCCCAGATGGGTTGTTACGTCCCTGCT[G>A]AAGTGTGCAGGCTCACACCAATTGATAGAGTGTTTACTAGACTTGGTGCCTCAGACAGAA-3'
Protein context (NP_000170.1, residues 1153-1173): MAQMGCYVPA[Glu1163Lys]VCRLTPIDRV

ClinVar aggregate classification (germline): Uncertain significance. Review status: criteria provided, multiple submitters, no conflicts (2 of 4 stars). 3 submissions from 3 submitters: Uncertain significance (3). Last evaluated 2024-07-10.

Conditions:
Hereditary cancer-predisposing syndrome. Also called: Hereditary neoplastic syndrome; Neoplastic Syndromes, Hereditary; Hereditary Cancer Syndrome; Tumor predisposition. Identifiers: Orphanet 140162, MedGen C0027672, MeSH D009386, MONDO:0015356.
Hereditary nonpolyposis colorectal neoplasms. Identifiers: MedGen C0009405, MeSH D003123.
Lynch syndrome. Identifiers: Orphanet 144, MedGen C4552100, MONDO:0005835. Disease mechanism: loss of function.

Submissions (3):

All of Us Research Program, National Institutes of Health
Classification: Uncertain significance for Lynch syndrome. Last evaluated: 2024-07-10. Review status: criteria provided, single submitter. Criteria: ACMG Guidelines, 2015. Collection method: clinical testing. Allele origin: germline. Inheritance: Autosomal dominant inheritance. Observed: 1 variant allele, 1 heterozygote.
Comment: This missense variant replaces glutamic acid with lysine at codon 1163 of the MSH6 protein. Computational prediction is inconclusive regarding the impact of this variant on protein structure and function (internally defined REVEL score threshold 0.5 < inconclusive < 0.7, PMID: 27666373). To our knowledge, functional studies have not been reported for this variant. This variant has not been reported in individuals affected with MSH6-related disorders in the literature. This variant has not been identified in the general population by the Genome Aggregation Database (gnomAD). The available evidence is insufficient to determine the role of this variant in disease conclusively. Therefore, this variant is classified as a Variant of Uncertain Significance.

This study involves interpretation of variants in research participants for the purpose of population health screening. Participant phenotype was not available at the time of variant classification. Additional details can be found in publication PMID: 35346344, PMCID: PMC8962531

Ambry Genetics
Classification: Uncertain significance for Hereditary cancer-predisposing syndrome. Last evaluated: 2020-11-03. Review status: criteria provided, single submitter. Criteria: Ambry Variant Classification Scheme 2023. Collection method: clinical testing. Allele origin: germline.
Comment: The p.E1163K variant (also known as c.3487G>A), located in coding exon 6 of the MSH6 gene, results from a G to A substitution at nucleotide position 3487. The glutamic acid at codon 1163 is replaced by lysine, an amino acid with similar properties. This amino acid position is highly conserved in available vertebrate species. In addition, this alteration is predicted to be deleterious by in silico analysis. Since supporting evidence is limited at this time, the clinical significance of this alteration remains unclear.

Labcorp Genetics (formerly Invitae), Labcorp
Classification: Uncertain significance for Hereditary nonpolyposis colorectal neoplasms. Last evaluated: 2019-11-05. Review status: criteria provided, single submitter. Criteria: Invitae Variant Classification Sherloc (09022015). Collection method: clinical testing. Allele origin: germline.
Comment: This sequence change replaces glutamic acid with lysine at codon 1163 of the MSH6 protein (p.Glu1163Lys). The glutamic acid residue is highly conserved and there is a small physicochemical difference between glutamic acid and lysine. This variant is not present in population databases (ExAC no frequency). This variant has not been reported in the literature in individuals with MSH6-related disease. Algorithms developed to predict the effect of missense changes on protein structure and function do not agree on the potential impact of this missense change (SIFT: "Deleterious"; PolyPhen-2: "Possibly Damaging"; Align-GVGD: "Class C0"). In summary, the available evidence is currently insufficient to determine the role of this variant in disease. Therefore, it has been classified as a Variant of Uncertain Significance.